The following is an entry in ClinVar:

ClinVar aggregate classification (germline): Uncertain significance (1 of 4 stars; one submission).

Conditions:
Catecholaminergic polymorphic ventricular tachycardia 1. Also called: VENTRICULAR TACHYCARDIA, STRESS-INDUCED POLYMORPHIC 1; RYR2-Related Catecholaminergic Polymorphic Ventricular Tachycardia; VENTRICULAR TACHYCARDIA, CATECHOLAMINERGIC POLYMORPHIC, 1, WITH OR WITHOUT ATRIAL DYSFUNCTION AND/OR DILATED CARDIOMYOPATHY. Identifiers: Orphanet 3286, MedGen C1631597, MONDO:0011484, OMIM 604772.

Submission:

Labcorp Genetics (formerly Invitae), Labcorp
Classification: Uncertain significance for Catecholaminergic polymorphic ventricular tachycardia 1. Last evaluated: 2025-10-18. Review status: criteria provided, single submitter. Criteria: Invitae Variant Classification Sherloc (09022015). Collection method: clinical testing. Allele origin: germline.
Comment: This sequence change replaces leucine, which is neutral and non-polar, with proline, which is neutral and non-polar, at codon 277 of the RYR2 protein (p.Leu277Pro). This variant is not present in population databases (gnomAD no frequency). This variant has not been reported in the literature in individuals affected with RYR2-related conditions. Invitae Evidence Modeling of protein sequence and biophysical properties (such as structural, functional, and spatial information, amino acid conservation, physicochemical variation, residue mobility, and thermodynamic stability) indicates that this missense variant is expected to disrupt RYR2 protein function with a positive predictive value of 95%. In summary, the available evidence is currently insufficient to determine the role of this variant in disease. Therefore, it has been classified as a Variant of Uncertain Significance.

NM_001035.3(RYR2):c.830T>C (p.Leu277Pro)

Gene: RYR2 (ryanodine receptor 2; plus strand). Cytogenetic location: 1q43.
Variant type: single nucleotide variant.
Coding change: c.830T>C on transcript NM_001035.3 (MANE Select); coding-DNA position 830, T replaced by C.
Protein change: p.Leu277Pro; replaces leucine 277 with proline.
Molecular consequence: missense variant.
Genome position (GRCh38, 1-based): chr1:237,417,105, T>C. VCF-style: chr1-237417105-T-C. GRCh37 (hg19) VCF-style: chr1-237580405-T-C.
Other names: short protein forms L277P.
Identifiers: ClinVar variation 4800049 (VCV004800049.1).